The following is an entry in ClinVar:

ClinVar aggregate classification (germline): Uncertain significance (1 of 4 stars; one submission).

Conditions:
Hereditary cancer-predisposing syndrome. Also called: Neoplastic Syndromes, Hereditary; Tumor predisposition; Hereditary Cancer Syndrome; Hereditary neoplastic syndrome. Identifiers: Orphanet 140162, MedGen C0027672, MeSH D009386, MONDO:0015356.

gnomAD v4.1: 2 of 1,613,962 alleles (0.00012%); highest among the groups gnomAD compares: Admixed American, 0.0017%; no homozygotes.

Submission:

Ambry Genetics
Classification: Uncertain significance for Hereditary cancer-predisposing syndrome. Last evaluated: 2026-06-04. Review status: criteria provided, single submitter. Criteria: Ambry Variant Classification Scheme 2023. Collection method: clinical testing. Allele origin: germline.
Comment: The c.1138-5T>C intronic variant results from a T to C substitution 5 nucleotides upstream from coding exon 9 in the CDH1 gene. This nucleotide position is well conserved in available vertebrate species. In silico splice site analysis predicts that this alteration will not have any significant effect on splicing. Based on the available evidence, the clinical significance of this variant remains unclear.

NM_004360.5(CDH1):c.1138-5T>C

Gene: CDH1 (cadherin 1; plus strand). Cytogenetic location: 16q22.1.
Variant type: single nucleotide variant.
Coding change: c.1138-5T>C on transcript NM_004360.5 (MANE Select); 5 bases into the intron before coding-DNA position 1138, T replaced by C.
Molecular consequence: intron variant.
Genome position (GRCh38, 1-based): chr16:68,813,308, T>C. VCF-style: chr16-68813308-T-C. GRCh37 (hg19) VCF-style: chr16-68847211-T-C.
Other names: c.-478-5T>C (NM_001317185.2); c.-682-5T>C (NM_001317186.2); c.1137+1045T>C (NM_001317184.2).
Identifiers: ClinVar variation 4868414 (VCV004868414.1).